The following is an entry in ClinVar:

ClinVar aggregate classification (germline): Uncertain significance. Review status: criteria provided, multiple submitters, no conflicts (2 of 4 stars). 3 submissions from 3 submitters: Uncertain significance (3). Last evaluated 2025-12-22.

Allele frequency attached by ClinVar (database versions not stated): gnomAD exomes below 0.00001; ExAC 0.00001; TOPMed 0.00001.
gnomAD v4.1: 6 of 1,564,504 alleles (0.00038%); highest among the groups gnomAD compares: East Asian, 0.0069%; no homozygotes.

Submissions (3):

Labcorp Genetics (formerly Invitae), Labcorp
Classification: Uncertain significance. Last evaluated: 2025-12-22. Review status: criteria provided, single submitter. Criteria: Invitae Variant Classification Sherloc (09022015). Collection method: clinical testing. Allele origin: germline.
Comment: This sequence change replaces tyrosine, which is neutral and polar, with cysteine, which is neutral and slightly polar, at codon 334 of the IL6ST protein (p.Tyr334Cys). The frequency data for this variant in the population databases is considered unreliable, as metrics indicate poor data quality at this position in the gnomAD database. This variant has not been reported in the literature in individuals affected with IL6ST-related conditions. ClinVar contains an entry for this variant (Variation ID: 1933949). An algorithm developed to predict the effect of missense changes on protein structure and function (PolyPhen-2) suggests that this variant is likely to be disruptive. In summary, the available evidence is currently insufficient to determine the role of this variant in disease. Therefore, it has been classified as a Variant of Uncertain Significance.

Ambry Genetics
Classification: Uncertain significance. Last evaluated: 2024-11-13. Review status: criteria provided, single submitter. Criteria: Ambry Variant Classification Scheme 2023. Collection method: clinical testing. Allele origin: germline.

Blueprint Genetics
Classification: Uncertain significance. Last evaluated: 2023-10-30. Review status: criteria provided, single submitter. Criteria: ACMG Guidelines, 2015. Collection method: clinical testing. Allele origin: germline.

NM_002184.4(IL6ST):c.1001A>G (p.Tyr334Cys)

Gene: IL6ST (interleukin 6 cytokine family signal transducer; minus strand). Cytogenetic location: 5q11.2.
Variant type: single nucleotide variant.
Coding change: c.1001A>G on transcript NM_002184.4 (MANE Select); coding-DNA position 1001, A replaced by G.
Protein change: p.Tyr334Cys; replaces tyrosine 334 with cysteine.
Molecular consequence: missense variant. On other transcripts: non-coding transcript variant (2), intron variant (2).
Genome position (GRCh38, 1-based): chr5:55,957,264, T>C on the plus strand (A>G on the coding strand, the complement: IL6ST is on the minus strand). VCF-style: chr5-55957264-T-C. GRCh37 (hg19) VCF-style: chr5-55253092-T-C.
Other names: c.1001A>G, p.Tyr334Cys (NM_001190981.2, NM_001364275.2); c.791A>G, p.Tyr264Cys (NM_001364276.2); c.134A>G, p.Tyr45Cys (NM_001364277.2); c.98A>G, p.Tyr33Cys (NM_001364278.2); c.61-1029A>G (NM_001364279.2); c.974-1029A>G (NM_175767.3); c.1001A>G (NM_002184.3); short protein forms Y33C, Y264C, Y45C, Y334C.
Identifiers: ClinVar variation 1933949 (VCV001933949.7), dbSNP rs765826097, ClinGen allele CA3271552.